The following is an entry in ClinVar:

NM_144596.4(TTC8):c.1215T>C (p.His405=)

Gene: TTC8 (tetratricopeptide repeat domain 8; plus strand). Cytogenetic location: 14q31.3.
Variant type: single nucleotide variant.
Coding change: c.1215T>C on transcript NM_144596.4 (MANE Select); coding-DNA position 1215, T replaced by C.
Protein change: p.His405=; no amino-acid change (histidine 405 retained).
Molecular consequence: synonymous variant. On other transcripts: non-coding transcript variant (1).
Genome position (GRCh38, 1-based): chr14:88,871,714, T>C. VCF-style: chr14-88871714-T-C. GRCh37 (hg19) VCF-style: chr14-89338058-T-C.
Other names: c.1263T>C, p.His421= (NM_001288781.1); c.621T>C, p.His207= (NM_001288782.1); c.498T>C, p.His166= (NM_001288783.1); c.1185T>C, p.His395= (NM_001366535.2, NM_198309.3); c.1095T>C, p.His365= (NM_001366536.2, NM_198310.3).
Identifiers: ClinVar variation 3357030 (VCV003357030.1).

ClinVar aggregate classification (germline): Likely benign (0 of 4 stars; one submission).

Conditions:
TTC8-related disorder. Also called: TTC8-related condition.

Submission:

PreventionGenetics, part of Exact Sciences
Classification: Likely benign for TTC8-related condition. Last evaluated: 2021-03-29. Review status: no assertion criteria provided. Collection method: clinical testing. Allele origin: germline.
Comment: This variant is classified as likely benign based on ACMG/AMP sequence variant interpretation guidelines (Richards et al. 2015 PMID: 25741868, with internal and published modifications).